The following is an entry in ClinVar:

ClinVar aggregate classification (germline): Uncertain significance. Review status: criteria provided, single submitter (1 of 4 stars). 2 submissions from 2 submitters: Uncertain significance (1). 1 of the submissions does not count toward it. Last evaluated 2021-10-04.

Conditions:
Congenital secretory diarrhea, chloride type (DIAR1). Also called: CHLORIDE DIARRHEA, CONGENITAL, FINNISH TYPE; CHLORIDORRHEA, CONGENITAL; DIARRHEA 1, SECRETORY CHLORIDE, CONGENITAL. Identifiers: Orphanet 53689, MedGen C0267662, MONDO:0008964, OMIM 214700.

Allele frequency attached by ClinVar (database versions not stated): gnomAD exomes below 0.00001.
gnomAD v4.1: 2 of 1,614,204 alleles (0.00012%); highest among the groups gnomAD compares: Non-Finnish European, 0.00017%; no homozygotes.

Submissions (2):

Labcorp Genetics (formerly Invitae), Labcorp
Classification: Uncertain significance. Last evaluated: 2021-10-04. Review status: criteria provided, single submitter. Criteria: Invitae Variant Classification Sherloc (09022015). Collection method: clinical testing. Allele origin: germline.
Comment: In summary, the available evidence is currently insufficient to determine the role of this variant in disease. Therefore, it has been classified as a Variant of Uncertain Significance. Algorithms developed to predict the effect of missense changes on protein structure and function are either unavailable or do not agree on the potential impact of this missense change (SIFT: "Deleterious"; PolyPhen-2: "Probably Damaging"; Align-GVGD: "Class C0"). ClinVar contains an entry for this variant (Variation ID: 635425). This variant has not been reported in the literature in individuals affected with SLC26A3-related conditions. This variant is not present in population databases (ExAC no frequency). This sequence change replaces tyrosine with cysteine at codon 361 of the SLC26A3 protein (p.Tyr361Cys). The tyrosine residue is moderately conserved and there is a large physicochemical difference between tyrosine and cysteine.

Bioscientia Institut fuer Medizinische Diagnostik GmbH, Sonic Healthcare
Classification: Uncertain significance for Congenital secretory diarrhea, chloride type. Last evaluated: 2018-09-24. Review status: no assertion criteria provided. Collection method: clinical testing. Allele origin: germline. Affected: yes. Not counted in ClinVar's aggregate classification.

NM_000111.3(SLC26A3):c.1082A>G (p.Tyr361Cys)

Gene: SLC26A3 (solute carrier family 26 member 3; minus strand). Cytogenetic location: 7q22.3.
Variant type: single nucleotide variant.
Coding change: c.1082A>G on transcript NM_000111.3 (MANE Select); coding-DNA position 1082, A replaced by G.
Protein change: p.Tyr361Cys; replaces tyrosine 361 with cysteine.
Molecular consequence: missense variant.
Genome position (GRCh38, 1-based): chr7:107,783,242, T>C on the plus strand (A>G on the coding strand, the complement: SLC26A3 is on the minus strand). VCF-style: chr7-107783242-T-C. GRCh37 (hg19) VCF-style: chr7-107423687-T-C.
Other names: short protein forms Y361C.
Identifiers: ClinVar variation 635425 (VCV000635425.7), dbSNP rs1584407007, ClinGen allele CA368852054.
Genomic context (GRCh38, chr7:107,783,242, plus strand): 5'-CCCAGTGTAGTTTGTTTACTTACCTGATTGCCATCAAGTGGATAATCGTATTTGAGGGAA[T>C]AGACGCTGGCAACTGAAAAGGCCACTGCAAATGCAACCATTGCGATGCCGAAGCAATCTC-3'
Protein context (NP_000102.1, residues 351-371): FAVAFSVASV[Tyr361Cys]SLKYDYPLDG